The following is an entry in ClinVar:

NM_152743.4(BRAT1):c.2051_2052delinsTT (p.Pro684Leu)

Gene: BRAT1 (BRCA1 associated ATM activator 1; minus strand). Cytogenetic location: 7p22.3.
Variant type: Indel.
Coding change: c.2051_2052delinsTT on transcript NM_152743.4 (MANE Select); coding-DNA positions 2051 to 2052, CA replaced by TT.
Protein change: p.Pro684Leu; replaces proline 684 with leucine.
Molecular consequence: missense variant. On other transcripts: non-coding transcript variant (1).
Genome position (GRCh38, 1-based): chr7:2,538,483-2,538,484, TG replaced by AA on the plus strand (CA replaced by TT on the coding strand, the reverse complement: BRAT1 is on the minus strand). VCF-style: chr7-2538483-TG-AA. GRCh37 (hg19) VCF-style: chr7-2578117-TG-AA.
Other names: c.2231_2232delinsTT, p.Pro744Leu (NM_001350626.2); c.1526_1527delinsTT, p.Pro509Leu (NM_001350627.2); short protein forms P744L, P509L, P684L.
Identifiers: ClinVar variation 2111353 (VCV002111353.4), dbSNP rs2534286491, ClinGen allele CA2580076710.
Genomic context (GRCh38, chr7:2,538,483, plus strand): 5'-GGCGAAGTCAAAGAGCCCCACGTGGCAGAGAGCCCTCAGTGCCTCGGTGAGTGGCTGGGC[TG>AA]GGGCCACCTCGGGTAGGGCCACGGCATAGGGGCAGTGGGTACGCGGCGGCCCCAAAGTCT-3'
Protein context (NP_689956.2, residues 674-694): PYAVALPEVA[Pro684Leu]AQPLTEALRA

ClinVar aggregate classification (germline): Uncertain significance (1 of 4 stars; one submission).

Conditions:
Neonatal-onset encephalopathy with rigidity and seizures. Also called: Lethal neonatal spasticity-epileptic encephalopathy syndrome. Identifiers: Orphanet 435845, MedGen C3281029, MONDO:0013784, OMIM 614498.

Submission:

Labcorp Genetics (formerly Invitae), Labcorp
Classification: Uncertain significance for Neonatal-onset encephalopathy with rigidity and seizures. Last evaluated: 2022-03-13. Review status: criteria provided, single submitter. Criteria: Invitae Variant Classification Sherloc (09022015). Collection method: clinical testing. Allele origin: germline.
Comment: This variant has not been reported in the literature in individuals affected with BRAT1-related conditions. This sequence change replaces proline, which is neutral and non-polar, with leucine, which is neutral and non-polar, at codon 684 of the BRAT1 protein (p.Pro684Leu). Information on the frequency of this variant in the gnomAD database is not available, as this variant may be reported differently in the database. Algorithms developed to predict the effect of missense changes on protein structure and function are either unavailable or do not agree on the potential impact of this missense change (SIFT: "Not Available"; PolyPhen-2: "Benign"; Align-GVGD: "Not Available"). In summary, the available evidence is currently insufficient to determine the role of this variant in disease. Therefore, it has been classified as a Variant of Uncertain Significance.